The following is an entry in ClinVar:

ClinVar aggregate classification (germline): Likely benign (1 of 4 stars; one submission).

Allele frequency attached by ClinVar (database versions not stated): gnomAD 0.00131; TOPMed 0.00131; ESP Exome Variant Server 0.00169.
gnomAD v4.1: 4,094 of 1,614,060 alleles (0.25%); highest among the groups gnomAD compares: Non-Finnish European, 0.32%; 12 homozygotes.

Submission:

CeGaT Center for Human Genetics Tuebingen
Classification: Likely benign. Last evaluated: 2023-03-01. Review status: criteria provided, single submitter. Criteria: CeGaT Center For Human Genetics Tuebingen Variant Classification Criteria Version 2. Collection method: clinical testing. Allele origin: germline. Affected: yes. Observed: 1 variant allele.
Comment: GRIK5: BP4, BP7

NM_002088.5(GRIK5):c.432C>T (p.Asp144=)

Gene: GRIK5 (glutamate ionotropic receptor kainate type subunit 5; minus strand). Cytogenetic location: 19q13.2.
Variant type: single nucleotide variant.
Coding change: c.432C>T on transcript NM_002088.5 (MANE Select); coding-DNA position 432, C replaced by T.
Protein change: p.Asp144=; no amino-acid change (aspartic acid 144 retained).
Molecular consequence: synonymous variant.
Genome position (GRCh38, 1-based): chr19:42,062,564, G>A on the plus strand (C>T on the coding strand, the complement: GRIK5 is on the minus strand). VCF-style: chr19-42062564-G-A. GRCh37 (hg19) VCF-style: chr19-42566716-G-A.
Other names: c.432C>T, p.Asp144= (NM_001301030.2).
Identifiers: ClinVar variation 2649938 (VCV002649938.24), dbSNP rs150138839, ClinGen allele CA9468699.
Genomic context (GRCh38, chr19:42,062,564, plus strand): 5'-GATGAGGCTGGCCGAGGGGTAGTTGAAGGACTTGAGGATTCGGGAGACCGCCAAGCTGAC[G>A]TCCTCGTTACTGGGGTACAGGCTGACAGACGCGAAGCGAAGGTACTGAAGGCGGGGTGTC-3'
Protein context (NP_002079.3, residues 134-154): ASVSLYPSNE[Asp144=]VSLAVSRILK